The following is an entry in ClinVar:

ClinVar aggregate classification (germline): Pathogenic (1 of 4 stars; one submission).

Submission:

Labcorp Genetics (formerly Invitae), Labcorp
Classification: Pathogenic. Last evaluated: 2022-01-07. Review status: criteria provided, single submitter. Criteria: Invitae Variant Classification Sherloc (09022015). Collection method: clinical testing. Allele origin: germline.
Comment: This variant is not present in population databases (gnomAD no frequency). This variant has not been reported in the literature in individuals affected with CEP250-related conditions. For these reasons, this variant has been classified as Pathogenic. This sequence change creates a premature translational stop signal (p.Glu2163Serfs*5) in the CEP250 gene. It is expected to result in an absent or disrupted protein product. Loss-of-function variants in CEP250 are known to be pathogenic (PMID: 24780881, 29718797).

Literature cited by the submitters: PubMed 24780881; PubMed 29718797.

NM_007186.6(CEP250):c.6487_6488del (p.Glu2163fs)

Gene: CEP250 (centrosomal protein 250; plus strand). Cytogenetic location: 20q11.22.
Variant type: Deletion.
Coding change: c.6487_6488del on transcript NM_007186.6 (MANE Select); coding-DNA positions 6487 to 6488, 2 bases deleted (GA; older notation c.6487_6488delGA).
Protein change: p.Glu2163fs; shifts the reading frame from glutamic acid 2163.
Molecular consequence: frameshift variant.
Genome position (GRCh38, 1-based): chr20:35,504,856-35,504,857, GA deleted; deleting any 2 consecutive bases within chr20:35,504,855-35,504,857 gives the same sequence; the c. name uses the placement nearest the transcript's 3' end. VCF-style (leftmost placement, unchanged base first): chr20-35504854-CAG-C. GRCh37 (hg19) VCF-style: chr20-34092682-CAG-C.
Other names: c.4591_4592del, p.Glu1531fs (NM_001318219.1); short protein forms E2163fs, E1531fs.
Identifiers: ClinVar variation 1452027 (VCV001452027.6), dbSNP rs2147179056, ClinGen allele CA2573157065.
Genomic context (GRCh38, chr20:35,504,854, plus strand): 5'-ATTCTTTAGAGCCCAGGCTGCAGCGGGAGCTGGAGCGGCTACAGGCAGCCCTGAGACAGA[CAG>C]AAGCCAGGGAGATTGAGTGGAGGGAGAAGGCCCAGGACTTGGCACTCTCCCTAGCGCAGA-3'